The following is an entry in ClinVar:

NM_001384474.1(LOXHD1):c.3727C>T (p.Arg1243Trp)

Gene: LOXHD1 (lipoxygenase homology PLAT domains 1; minus strand). Cytogenetic location: 18q21.1.
Variant type: single nucleotide variant.
Coding change: c.3727C>T on transcript NM_001384474.1 (MANE Select); coding-DNA position 3727, C replaced by T.
Protein change: p.Arg1243Trp; replaces arginine 1243 with tryptophan.
Molecular consequence: missense variant.
Genome position (GRCh38, 1-based): chr18:46,542,748, G>A on the plus strand (C>T on the coding strand, the complement: LOXHD1 is on the minus strand). VCF-style: chr18-46542748-G-A. GRCh37 (hg19) VCF-style: chr18-44122711-G-A.
Other names: c.394C>T, p.Arg132Trp (NM_001145472.3); c.106C>T, p.Arg36Trp (NM_001308013.2); c.3727C>T, p.Arg1243Trp (NM_144612.7); short protein forms R1243W, R132W, R36W.
Identifiers: ClinVar variation 2445665 (VCV002445665.5), dbSNP rs369695848, ClinGen allele CA8952442.
Genomic context (GRCh38, chr18:46,542,748, plus strand): 5'-TAAAGTCTTAGCAAGGAACAGAGGGGAGGGAAGCCACACCTGTGTTGTCATGGCCAAGCC[G>A]GACTTTCCACAGGTCTCCCAGATCCAGCGTCTCCACCGTGAAGATTTCAATGCTGTCCCT-3'
Protein context (NP_001371403.1, residues 1233-1253): TLDLGDLWKV[Arg1243Trp]LGHDNTGKAP

ClinVar aggregate classification (germline): Conflicting classifications of pathogenicity. Review status: criteria provided, conflicting classifications (1 of 4 stars). 4 submissions from 4 submitters: Likely pathogenic (2); Uncertain significance (2). Last evaluated 2025-07-01.

Conditions:
Autosomal recessive nonsyndromic hearing loss 77. Identifiers: Orphanet 90636, MedGen C2746083, MONDO:0013119, OMIM 613079.

Allele frequency attached by ClinVar (database versions not stated): gnomAD 0.00002; TOPMed 0.00002; ExAC 0.00004; ESP Exome Variant Server 0.00022.
gnomAD v4.1: 40 of 1,551,458 alleles (0.0026%); highest among the groups gnomAD compares: Middle Eastern, 0.017%; no homozygotes.

Submissions (4):

Myriad Genetics, Inc.
Classification: Likely pathogenic for Autosomal recessive nonsyndromic hearing loss 77. Last evaluated: 2025-07-01. Review status: criteria provided, single submitter. Criteria: Myriad Autosomal Dominant, Autosomal Recessive and X-Linked Classification Criteria (2023). Collection method: clinical testing. Allele origin: unknown.
Comment: NM_144612.6(LOXHD1):c.3727C>T(R1243W) is a missense variant classified as likely pathogenic in the context of nonsyndromic hearing loss, LOXHD1-related. R1243W has been observed in cases with relevant disease (PMID: 32279305, 34593925, 36633841, 34171171). Relevant functional assessments of this variant are not available in the literature. R1243W has not been observed in referenced population frequency databases. In summary, NM_144612.6(LOXHD1):c.3727C>T(R1243W) is a missense variant that has been observed more frequently in cases with the relevant disease than in healthy populations. Please note: this variant was assessed in the context of healthy population screening.

Labcorp Genetics (formerly Invitae), Labcorp
Classification: Uncertain significance. Last evaluated: 2024-07-01. Review status: criteria provided, single submitter. Criteria: Invitae Variant Classification Sherloc (09022015). Collection method: clinical testing. Allele origin: germline.
Comment: This sequence change replaces arginine, which is basic and polar, with tryptophan, which is neutral and slightly polar, at codon 1243 of the LOXHD1 protein (p.Arg1243Trp). This variant is present in population databases (rs369695848, gnomAD 0.002%). This missense change has been observed in individual(s) with deafness (PMID: 33753533, 34171171, 36633841; Invitae). In at least one individual the data is consistent with being in trans (on the opposite chromosome) from a pathogenic variant. This variant is also known as c.394C>T, p.R132W. ClinVar contains an entry for this variant (Variation ID: 2445665). An algorithm developed to predict the effect of missense changes on protein structure and function (PolyPhen-2) suggests that this variant is likely to be disruptive. In summary, the available evidence is currently insufficient to determine the role of this variant in disease. Therefore, it has been classified as a Variant of Uncertain Significance.

King Laboratory, University of Washington
Classification: Likely pathogenic for Autosomal recessive nonsyndromic hearing loss 77. Last evaluated: 2023-02-28. Review status: criteria provided, single submitter. Criteria: Li et al. (Genet Med. 2022). Collection method: research. Allele origin: unknown. Affected: yes.
Comment: This variant occurred in compound heterozygosity with a LOXHD1 nonsense variant in a patient with bilateral sensorineural hearing loss of onset <18 years, in a study of pediatric hearing loss conducted by the King Laboratory (Carlson RJ et al. JAMA-OtoHNS 2023). This variant is a missense at a completely conserved site in the PLAT1 domain of the LOXHD1 protein and is predicted to be damaging by multiple in-silico tools. As of January 2023, this variant has not been reported to ClinVar and is not found on gnomAD. Based on consistently predicted functional effect, compound heterozygosity with a loss-of-function variant, and goodness of fit of genotype to phenotype, we conclude that this variant is likely pathogenic.

Blueprint Genetics
Classification: Uncertain significance. Last evaluated: 2022-03-15. Review status: criteria provided, single submitter. Criteria: ACMG Guidelines, 2015. Collection method: clinical testing. Allele origin: germline.

Literature cited by the submitters: PubMed 32279305 (cited by Myriad Genetics, Inc.); PubMed 34171171 (cited by Myriad Genetics, Inc. and Labcorp Genetics (formerly Invitae), Labcorp); PubMed 34593925 (cited by Myriad Genetics, Inc.); PubMed 36633841 (cited by 3 submitters); PubMed 33753533 (cited by Labcorp Genetics (formerly Invitae), Labcorp).